The following is an entry in ClinVar:

ClinVar aggregate classification (germline): Uncertain significance. Review status: criteria provided, multiple submitters, no conflicts (2 of 4 stars). 3 submissions from 3 submitters: Uncertain significance (3). Last evaluated 2025-08-31.

Conditions:
Xanthinuria type II. Also called: Xanthine dehydrogenase and aldehyde oxidase combined deficiency of; XDH and AOX dual deficiency. Identifiers: Orphanet 3467, Orphanet 93602, MedGen C1863688, MONDO:0011346, OMIM 603592.
Inborn genetic diseases. Identifiers: MedGen C0950123, MeSH D030342.

Allele frequency attached by ClinVar (database versions not stated): ExAC 0.00002; gnomAD exomes 0.00003 and 0.00008; ESP Exome Variant Server 0.00008; TOPMed 0.00011; gnomAD 0.00013 and 0.00014.
gnomAD v4.1: 139 of 1,614,088 alleles (0.0086%); highest among the groups gnomAD compares: Non-Finnish European, 0.01%; no homozygotes.

Submissions (3):

Ambry Genetics
Classification: Uncertain significance for Inborn genetic diseases. Last evaluated: 2025-08-31. Review status: criteria provided, single submitter. Criteria: Ambry Variant Classification Scheme 2023. Collection method: clinical testing. Allele origin: germline.

Mayo Clinic Laboratories, Mayo Clinic
Classification: Uncertain significance. Last evaluated: 2024-02-26. Review status: criteria provided, single submitter. Criteria: ACMG Guidelines, 2015. Collection method: clinical testing. Allele origin: germline. Observed: 1 variant allele.

Labcorp Genetics (formerly Invitae), Labcorp
Classification: Uncertain significance for Xanthinuria type II. Last evaluated: 2023-03-23. Review status: criteria provided, single submitter. Criteria: Invitae Variant Classification Sherloc (09022015). Collection method: clinical testing. Allele origin: germline.
Comment: In summary, the available evidence is currently insufficient to determine the role of this variant in disease. Therefore, it has been classified as a Variant of Uncertain Significance. An algorithm developed to predict the effect of missense changes on protein structure and function (PolyPhen-2) suggests that this variant is likely to be disruptive. ClinVar contains an entry for this variant (Variation ID: 972498). This variant has not been reported in the literature in individuals affected with XDH-related conditions. This variant is present in population databases (rs200384255, gnomAD 0.009%). This sequence change replaces proline, which is neutral and non-polar, with arginine, which is basic and polar, at codon 320 of the XDH protein (p.Pro320Arg).

NM_000379.4(XDH):c.959C>G (p.Pro320Arg)

Gene: XDH (xanthine dehydrogenase; minus strand). Cytogenetic location: 2p23.1.
Variant type: single nucleotide variant.
Coding change: c.959C>G on transcript NM_000379.4 (MANE Select); coding-DNA position 959, C replaced by G.
Protein change: p.Pro320Arg; replaces proline 320 with arginine.
Molecular consequence: missense variant.
Genome position (GRCh38, 1-based): chr2:31,383,080, G>C on the plus strand (C>G on the coding strand, the complement: XDH is on the minus strand). VCF-style: chr2-31383080-G-C. GRCh37 (hg19) VCF-style: chr2-31605946-G-C.
Other names: p.Pro320Arg; short protein forms P320R.
Identifiers: ClinVar variation 972498 (VCV000972498.11), dbSNP rs200384255, ClinGen allele CA1599403.